The following is an entry in ClinVar:

NM_033109.5(PNPT1):c.449C>T (p.Thr150Ile)

Gene: PNPT1 (polyribonucleotide nucleotidyltransferase 1; minus strand). Cytogenetic location: 2p16.1.
Variant type: single nucleotide variant.
Coding change: c.449C>T on transcript NM_033109.5 (MANE Select); coding-DNA position 449, C replaced by T.
Protein change: p.Thr150Ile; replaces threonine 150 with isoleucine.
Molecular consequence: missense variant.
Genome position (GRCh38, 1-based): chr2:55,683,789, G>A on the plus strand (C>T on the coding strand, the complement: PNPT1 is on the minus strand). VCF-style: chr2-55683789-G-A. GRCh37 (hg19) VCF-style: chr2-55910924-G-A.
Other names: short protein forms T150I.
Identifiers: ClinVar variation 1921422 (VCV001921422.27), dbSNP rs1399193883, ClinGen allele CA346939782.

ClinVar aggregate classification (germline): Uncertain significance. Review status: criteria provided, multiple submitters, no conflicts (2 of 4 stars). 3 submissions from 3 submitters: Uncertain significance (3). Last evaluated 2023-08-01.

Conditions:
Inborn genetic diseases. Identifiers: MedGen C0950123, MeSH D030342.

Allele frequency attached by ClinVar (database versions not stated): gnomAD exomes 0.00002.
gnomAD v4.1: 23 of 1,612,518 alleles (0.0014%); highest among the groups gnomAD compares: East Asian, 0.0022%; no homozygotes.

Submissions (3):

CeGaT Center for Human Genetics Tuebingen
Classification: Uncertain significance. Last evaluated: 2023-08-01. Review status: criteria provided, single submitter. Criteria: CeGaT Center For Human Genetics Tuebingen Variant Classification Criteria Version 2. Collection method: clinical testing. Allele origin: germline. Affected: yes. Observed: 1 variant allele.
Comment: PNPT1: PM2

Labcorp Genetics (formerly Invitae), Labcorp
Classification: Uncertain significance. Last evaluated: 2022-06-19. Review status: criteria provided, single submitter. Criteria: Invitae Variant Classification Sherloc (09022015). Collection method: clinical testing. Allele origin: germline.
Comment: This sequence change replaces threonine, which is neutral and polar, with isoleucine, which is neutral and non-polar, at codon 150 of the PNPT1 protein (p.Thr150Ile). This variant is present in population databases (no rsID available, gnomAD 0.002%). This variant has not been reported in the literature in individuals affected with PNPT1-related conditions. Advanced modeling of protein sequence and biophysical properties (such as structural, functional, and spatial information, amino acid conservation, physicochemical variation, residue mobility, and thermodynamic stability) performed at Invitae indicates that this missense variant is expected to disrupt PNPT1 protein function. In summary, the available evidence is currently insufficient to determine the role of this variant in disease. Therefore, it has been classified as a Variant of Uncertain Significance.

Ambry Genetics
Classification: Uncertain significance for Inborn genetic diseases. Last evaluated: 2020-11-19. Review status: criteria provided, single submitter. Criteria: Ambry Variant Classification Scheme 2023. Collection method: clinical testing. Allele origin: germline.
Comment: The c.449C>T (p.T150I) alteration is located in exon 5 (coding exon 5) of the PNPT1 gene. This alteration results from a C to T substitution at nucleotide position 449, causing the threonine (T) at amino acid position 150 to be replaced by an isoleucine (I). The in silico prediction for the p.T150I alteration is inconclusive. Based on insufficient or conflicting evidence, the clinical significance of this alteration remains unclear.